The following is an entry in ClinVar:

NM_004281.4(BAG3):c.1687A>C (p.Ser563Arg)

Gene: BAG3 (BAG cochaperone 3; plus strand). Cytogenetic location: 10q26.11.
Variant type: single nucleotide variant.
Coding change: c.1687A>C on transcript NM_004281.4 (MANE Select); coding-DNA position 1687, A replaced by C.
Protein change: p.Ser563Arg; replaces serine 563 with arginine.
Molecular consequence: missense variant.
Genome position (GRCh38, 1-based): chr10:119,677,241, A>C. VCF-style: chr10-119677241-A-C. GRCh37 (hg19) VCF-style: chr10-121436753-A-C.
Other names: c.1687A>C (NM_004281.3); short protein forms S563R.
Identifiers: ClinVar variation 1469965 (VCV001469965.10), dbSNP rs1240662655, ClinGen allele CA378297854.
Genomic context (GRCh38, chr10:119,677,241, plus strand): 5'-GAAGATCCCCACACAGAAACCCAGCAGCCAGAAGCCACAGCAGCAGCGACTTCAAACCCC[A>C]GCAGCATGACAGACACCCCTGGTAACCCAGCAGCACCGTAGCCTCTGCCCTGTAAAAATC-3'
Protein context (NP_004272.2, residues 553-573): EATAAATSNP[Ser563Arg]SMTDTPGNPA

ClinVar aggregate classification (germline): Uncertain significance. Review status: criteria provided, multiple submitters, no conflicts (2 of 4 stars). 2 submissions from 2 submitters: Uncertain significance (2). Last evaluated 2026-09-11.

Conditions:
Cardiovascular phenotype. Identifiers: MedGen CN230736.
Dilated cardiomyopathy 1HH (CMD1HH). Identifiers: Orphanet 154, MedGen C3151293, MONDO:0013479, OMIM 613881.
Myofibrillar myopathy 6. Identifiers: Orphanet 199340, MedGen C2751831, MONDO:0013061, OMIM 612954.

Submissions (2):

Ambry Genetics
Classification: Uncertain significance for Cardiovascular phenotype. Last evaluated: 2026-09-11. Review status: criteria provided, single submitter. Criteria: Ambry Variant Classification Scheme 2023. Collection method: clinical testing. Allele origin: germline.
Comment: The p.S563R variant (also known as c.1687A>C), located in coding exon 4 of the BAG3 gene, results from an A to C substitution at nucleotide position 1687. The serine at codon 563 is replaced by arginine, an amino acid with dissimilar properties. This amino acid position is conserved. In addition, this alteration is predicted to be tolerated by in silico analysis. Based on the available evidence, the clinical significance of this variant remains unclear.

Labcorp Genetics (formerly Invitae), Labcorp
Classification: Uncertain significance for Dilated cardiomyopathy 1HH; Myofibrillar myopathy 6. Last evaluated: 2025-01-15. Review status: criteria provided, single submitter. Criteria: Invitae Variant Classification Sherloc (09022015). Collection method: clinical testing. Allele origin: germline.
Comment: This sequence change replaces serine, which is neutral and polar, with arginine, which is basic and polar, at codon 563 of the BAG3 protein (p.Ser563Arg). This variant is not present in population databases (gnomAD no frequency). This variant has not been reported in the literature in individuals affected with BAG3-related conditions. ClinVar contains an entry for this variant (Variation ID: 1469965). Invitae Evidence Modeling of protein sequence and biophysical properties (such as structural, functional, and spatial information, amino acid conservation, physicochemical variation, residue mobility, and thermodynamic stability) indicates that this missense variant is not expected to disrupt BAG3 protein function with a negative predictive value of 80%. In summary, the available evidence is currently insufficient to determine the role of this variant in disease. Therefore, it has been classified as a Variant of Uncertain Significance.